The following is an entry in ClinVar:

NM_178857.6(RP1L1):c.2327T>C (p.Ile776Thr)

Gene: RP1L1 (RP1 like 1). Cytogenetic location: 8p23.1.
Variant type: single nucleotide variant.
Coding change: c.2327T>C on transcript NM_178857.6 (MANE Select); coding-DNA position 2327, T replaced by C.
Protein change: p.Ile776Thr; replaces isoleucine 776 with threonine.
Molecular consequence: missense variant.
Genome position (GRCh38, 1-based): chr8:10,611,771, A>G on the plus strand (T>C on the coding strand, the complement: RP1L1 is on the minus strand). VCF-style: chr8-10611771-A-G. GRCh37 (hg19) VCF-style: chr8-10469281-A-G.
Other names: short protein forms I776T.
Identifiers: ClinVar variation 5001178 (VCV005001178.1).
Genomic context (GRCh38, chr8:10,611,771, plus strand): 5'-GCCTCTTCCCCCAGGCTGGCAGCCCCAGATTTTGAGCAGGAGTCGGATGTGTGGGGAGGT[A>G]TGGGGGCCGGCGAGCATGTCCTGGACCCCGCGTCCCCTGCCCACCCGGCAGAGGGAGCGT-3'
Protein context (NP_849188.4, residues 766-786): AGSRTCSPAP[Ile776Thr]PPHTSDSCSK

ClinVar aggregate classification (germline): Uncertain significance (1 of 4 stars; one submission).

Conditions:
RP1L1-related disorder. Also called: RP1L1-related condition.

gnomAD v4.1: 3 of 1,613,512 alleles (0.00019%); highest among the groups gnomAD compares: Admixed American, 0.0033%; no homozygotes.

Submission:

PreventionGenetics, part of Exact Sciences
Classification: Uncertain significance for RP1L1-related condition. Last evaluated: 2026-05-15. Review status: criteria provided, single submitter. Criteria: ACMG Guidelines, 2015. Collection method: clinical testing. Allele origin: germline.
Comment: The RP1L1 c.2327T>C variant is predicted to result in the amino acid substitution p.Ile776Thr. To our knowledge, this variant has not been reported in the literature or in a large population database (gnomAD), indicating this variant is rare. At this time, the clinical significance of this variant is uncertain due to the absence of conclusive functional and genetic evidence.